The following is an entry in ClinVar:

NM_002230.4(JUP):c.1337G>A (p.Gly446Asp)

Gene: JUP (junction plakoglobin; minus strand). Cytogenetic location: 17q21.2.
Variant type: single nucleotide variant.
Coding change: c.1337G>A on transcript NM_002230.4 (MANE Select); coding-DNA position 1337, G replaced by A.
Protein change: p.Gly446Asp; replaces glycine 446 with aspartic acid.
Molecular consequence: missense variant.
Genome position (GRCh38, 1-based): chr17:41,763,143, C>T on the plus strand (G>A on the coding strand, the complement: JUP is on the minus strand). VCF-style: chr17-41763143-C-T. GRCh37 (hg19) VCF-style: chr17-39919395-C-T.
Other names: c.1337G>A, p.Gly446Asp (NM_001352773.2, NM_001352774.2, NM_001352775.2 and 3 more transcripts); short protein forms G446D.
Identifiers: ClinVar variation 3761114 (VCV003761114.2).

ClinVar aggregate classification (germline): Uncertain significance (1 of 4 stars; one submission).

Conditions:
Arrhythmogenic right ventricular dysplasia 12. Also called: ARRHYTHMOGENIC RIGHT VENTRICULAR DYSPLASIA, FAMILIAL, 12. Identifiers: MedGen C1969081, MONDO:0012684, OMIM 611528.
Naxos disease (NXD). Also called: CARDIOMYOPATHY, ARRHYTHMOGENIC RIGHT VENTRICULAR, WITH SKIN, HAIR, AND NAIL ABNORMALITIES; KERATOSIS PALMOPLANTARIS WITH ARRHYTHMOGENIC CARDIOMYOPATHY; MAL DE NAXOS; PALMOPLANTAR KERATODERMA WITH ARRHYTHMOGENIC RIGHT VENTRICULAR CARDIOMYOPATHY AND WOOLLY HAIR; WOOLLY HAIR, PALMOPLANTAR KERATODERMA, AND CARDIAC ABNORMALITIES. Identifiers: Orphanet 34217, MedGen C1832600, MONDO:0011017, OMIM 601214.

gnomAD v4.1: 4 of 1,614,116 alleles (0.00025%); highest among the groups gnomAD compares: African/African-American, 0.0027%; no homozygotes.

Submission:

Labcorp Genetics (formerly Invitae), Labcorp
Classification: Uncertain significance for Arrhythmogenic right ventricular dysplasia 12; Naxos disease. Last evaluated: 2025-12-17. Review status: criteria provided, single submitter. Criteria: Invitae Variant Classification Sherloc (09022015). Collection method: clinical testing. Allele origin: germline.
Comment: This sequence change replaces glycine, which is neutral and non-polar, with aspartic acid, which is acidic and polar, at codon 446 of the JUP protein (p.Gly446Asp). This variant is not present in population databases (gnomAD no frequency). This variant has not been reported in the literature in individuals affected with JUP-related conditions. ClinVar contains an entry for this variant (Variation ID: 3761114). An algorithm developed to predict the effect of missense changes on protein structure and function (PolyPhen-2) suggests that this variant is likely to be disruptive. In summary, the available evidence is currently insufficient to determine the role of this variant in disease. Therefore, it has been classified as a Variant of Uncertain Significance.